The following is an entry in ClinVar:

NM_001005242.3(PKP2):c.804C>T (p.Val268=)

Gene: PKP2 (plakophilin 2; minus strand). Cytogenetic location: 12p11.21.
Variant type: single nucleotide variant.
Coding change: c.804C>T on transcript NM_001005242.3 (MANE Select); coding-DNA position 804, C replaced by T.
Protein change: p.Val268=; no amino-acid change (valine 268 retained).
Molecular consequence: synonymous variant.
Genome position (GRCh38, 1-based): chr12:32,878,076, G>A on the plus strand (C>T on the coding strand, the complement: PKP2 is on the minus strand). VCF-style: chr12-32878076-G-A. GRCh37 (hg19) VCF-style: chr12-33031010-G-A.
Other names: c.804C>T, p.Val268= (NM_004572.4).
Identifiers: ClinVar variation 188656 (VCV000188656.15), dbSNP rs781271804, ClinGen allele CA012503.

ClinVar aggregate classification (germline): Likely benign. Review status: criteria provided, multiple submitters, no conflicts (2 of 4 stars). 5 submissions from 5 submitters: Likely benign (5). Last evaluated 2025-06-22.

Conditions:
Cardiovascular phenotype. Identifiers: MedGen CN230736.
Arrhythmogenic right ventricular cardiomyopathy (ARVD). Also called: Cardiomyopathy, ARVC; Arrhythmogenic right ventricular dysplasia; Arrhythmogenic cardiomyopathy; Arrhythmogenic Right Ventricular Cardiomyopathy (ARVC). Identifiers: Orphanet 247, MedGen C0349788, MeSH D019571, MONDO:0016587. Disease mechanism: loss of function. Inheritance: Various modes of inheritance.
Cardiomyopathy (CMYO). Also called: Cardiomyopathies. Identifiers: Orphanet 167848, MedGen C0878544, MONDO:0004994, HP:0001638. Inheritance: Various modes of inheritance.
Arrhythmogenic right ventricular dysplasia 9 (ARVD9). Also called: ARRHYTHMOGENIC RIGHT VENTRICULAR DYSPLASIA, FAMILIAL, 9; Arrhythmogenic Right Ventricular Dysplasia/Cardiomyopathy 9. Identifiers: MedGen C1836906, MONDO:0012180, OMIM 609040.

Allele frequency attached by ClinVar (database versions not stated): TOPMed 0.00001; gnomAD 0.00002; gnomAD exomes 0.00002 and 0.00003; ExAC 0.00004.
gnomAD v4.1: 39 of 1,613,948 alleles (0.0024%); highest among the groups gnomAD compares: South Asian, 0.0066%; no homozygotes.

Submissions (5):

Labcorp Genetics (formerly Invitae), Labcorp
Classification: Likely benign for Arrhythmogenic right ventricular dysplasia 9. Last evaluated: 2025-06-22. Review status: criteria provided, single submitter. Criteria: Invitae Variant Classification Sherloc (09022015). Collection method: clinical testing. Allele origin: germline.

All of Us Research Program, National Institutes of Health
Classification: Likely benign for Arrhythmogenic right ventricular cardiomyopathy. Last evaluated: 2024-05-30. Review status: criteria provided, single submitter. Criteria: ACMG Guidelines, 2015. Collection method: clinical testing. Allele origin: germline. Inheritance: Autosomal dominant inheritance. Observed: 5 variant alleles, 5 heterozygotes.
Comment: This study involves interpretation of variants in research participants for the purpose of population health screening. Participant phenotype was not available at the time of variant classification. Additional details can be found in publication PMID: 35346344, PMCID: PMC8962531

Blueprint Genetics
Classification: Likely benign. Last evaluated: 2023-02-28. Review status: criteria provided, single submitter. Criteria: ACMG Guidelines, 2015. Collection method: clinical testing. Allele origin: germline.

Ambry Genetics
Classification: Likely benign for Cardiovascular phenotype. Last evaluated: 2019-12-30. Review status: criteria provided, single submitter. Criteria: Ambry Variant Classification Scheme 2023. Collection method: clinical testing. Allele origin: germline.

Color Diagnostics, LLC DBA Color Health
Classification: Likely benign for Cardiomyopathy. Last evaluated: 2019-03-09. Review status: criteria provided, single submitter. Criteria: ACMG Guidelines, 2015. Collection method: clinical testing. Allele origin: germline.